The following is an entry in ClinVar:

NM_024334.3(TMEM43):c.884_886del

Gene: TMEM43 (transmembrane protein 43; plus strand). Cytogenetic location: 3p25.1.
Variant type: Microsatellite.
Coding change: c.884_886del on transcript NM_024334.3 (MANE Select); coding-DNA positions 884 to 886, 3 bases deleted (AGG; older notation c.884_886delAGG).
Molecular consequence: splice acceptor variant.
Genome position (GRCh38, 1-based): chr3:14,139,181-14,139,183, AGG deleted; deleting any 3 consecutive bases within chr3:14,139,178-14,139,183 gives the same sequence; the c. name uses the placement nearest the transcript's 3' end. VCF-style (leftmost placement, unchanged base first): chr3-14139177-CAGG-C. GRCh37 (hg19) VCF-style: chr3-14180677-CAGG-C.
Other names: c.883-2_883del (NM_001407276.1); c.880-2_880del (NM_001407277.1).
Identifiers: ClinVar variation 2888371 (VCV002888371.4), dbSNP rs1695215955, ClinGen allele CA1346972727.

ClinVar aggregate classification (germline): Uncertain significance. Review status: criteria provided, multiple submitters, no conflicts (2 of 4 stars). 3 submissions from 3 submitters: Uncertain significance (3). Last evaluated 2024-04-02.

Conditions:
Arrhythmogenic right ventricular dysplasia 5. Also called: Arrhythmogenic Right Ventricular Dysplasia/Cardiomyopathy 5; ARRHYTHMOGENIC RIGHT VENTRICULAR DYSPLASIA, FAMILIAL, 5. Identifiers: MedGen C1858379, MONDO:0011459, OMIM 604400.
Auditory neuropathy, autosomal dominant 3 (AUNA3). Identifiers: MedGen C5676964, MONDO:0859235, OMIM 619832.
Emery-Dreifuss muscular dystrophy 7, autosomal dominant (EDMD7). Also called: Emery-Dreifuss muscular dystrophy 7, AD. Identifiers: Orphanet 261, MedGen C3553060, MONDO:0013677, OMIM 614302.

Submissions (3):

Fulgent Genetics
Classification: Uncertain significance for Arrhythmogenic right ventricular dysplasia 5; Emery-Dreifuss muscular dystrophy 7, autosomal dominant; Auditory neuropathy, autosomal dominant 3. Last evaluated: 2024-04-02. Review status: criteria provided, single submitter. Criteria: ACMG Guidelines, 2015. Collection method: clinical testing. Allele origin: germline.

All of Us Research Program, National Institutes of Health
Classification: Uncertain significance for Arrhythmogenic right ventricular dysplasia 5. Last evaluated: 2023-11-30. Review status: criteria provided, single submitter. Criteria: ACMG Guidelines, 2015. Collection method: clinical testing. Allele origin: germline. Inheritance: Autosomal dominant inheritance. Observed: 5 variant alleles, 5 heterozygotes.
Comment: This variant causes a deletion of one amino acid from the TMEM43 protein. To our knowledge, functional studies have not been reported for this variant. This variant has not been reported in individuals affected with cardiovascular disorders in the literature. This variant has not been identified in the general population by the Genome Aggregation Database (gnomAD). The available evidence is insufficient to determine the role of this variant in disease conclusively. Therefore, this variant is classified as a Variant of Uncertain Significance.

This study involves interpretation of variants in research participants for the purpose of population health screening. Participant phenotype was not available at the time of variant classification. Additional details can be found in publication PMID: 35346344, PMCID: PMC8962531

Labcorp Genetics (formerly Invitae), Labcorp
Classification: Uncertain significance for Arrhythmogenic right ventricular dysplasia 5. Last evaluated: 2023-05-01. Review status: criteria provided, single submitter. Criteria: Invitae Variant Classification Sherloc (09022015). Collection method: clinical testing. Allele origin: germline.
Comment: In summary, the available evidence is currently insufficient to determine the role of this variant in disease. Therefore, it has been classified as a Variant of Uncertain Significance. Algorithms developed to predict the effect of sequence changes on RNA splicing suggest that this variant may disrupt the consensus splice site. Experimental studies and prediction algorithms are not available or were not evaluated, and the functional significance of this variant is currently unknown. This variant has not been reported in the literature in individuals affected with TMEM43-related conditions. This variant is not present in population databases (gnomAD no frequency). This variant, c.884_886del, results in the deletion of 1 amino acid(s) of the TMEM43 protein (p.Glu295del), but otherwise preserves the integrity of the reading frame.